The following is an entry in ClinVar:

ClinVar aggregate classification (germline): Uncertain significance. Review status: criteria provided, multiple submitters, no conflicts (2 of 4 stars). 5 submissions from 5 submitters: Uncertain significance (5). Last evaluated 2024-04-05.

Conditions:
Inborn genetic diseases. Identifiers: MedGen C0950123, MeSH D030342.
Febrile seizures, familial, 4 (FEB4). Also called: CONVULSIONS, FAMILIAL FEBRILE, 4. Identifiers: MedGen C1858493, MONDO:0011443, OMIM 604352.
Usher syndrome type 2C. Also called: Usher syndrome, type 2B; USHER SYNDROME, TYPE IIC. Identifiers: Orphanet 231178, Orphanet 886, MedGen C2931213, MONDO:0011558, OMIM 605472.
Usher syndrome type 2. Also called: Usher Syndrome Type II. Identifiers: Orphanet 231178, MedGen C0339534, MONDO:0016484.

Allele frequency attached by ClinVar (database versions not stated): gnomAD 0.00003 and 0.00004; gnomAD exomes 0.00003 and 0.00007; ExAC 0.00007; TOPMed 0.00007; ESP Exome Variant Server 0.00016.
gnomAD v4.1: 104 of 1,608,336 alleles (0.0065%); highest among the groups gnomAD compares: Non-Finnish European, 0.0083%; no homozygotes.

Submissions (5):

Labcorp Genetics (formerly Invitae), Labcorp
Classification: Uncertain significance. Last evaluated: 2024-04-05. Review status: criteria provided, single submitter. Criteria: Invitae Variant Classification Sherloc (09022015). Collection method: clinical testing. Allele origin: germline.
Comment: This sequence change replaces isoleucine, which is neutral and non-polar, with threonine, which is neutral and polar, at codon 4003 of the ADGRV1 protein (p.Ile4003Thr). This variant is present in population databases (rs376911431, gnomAD 0.007%). This variant has not been reported in the literature in individuals affected with ADGRV1-related conditions. ClinVar contains an entry for this variant (Variation ID: 289270). Advanced modeling of protein sequence and biophysical properties (such as structural, functional, and spatial information, amino acid conservation, physicochemical variation, residue mobility, and thermodynamic stability) performed at Invitae indicates that this missense variant is not expected to disrupt ADGRV1 protein function with a negative predictive value of 80%. In summary, the available evidence is currently insufficient to determine the role of this variant in disease. Therefore, it has been classified as a Variant of Uncertain Significance.

Ambry Genetics
Classification: Uncertain significance for Inborn genetic diseases. Last evaluated: 2022-07-27. Review status: criteria provided, single submitter. Criteria: Ambry Variant Classification Scheme 2023. Collection method: clinical testing. Allele origin: germline.

Fulgent Genetics
Classification: Uncertain significance for Febrile seizures, familial, 4; Usher syndrome type 2C. Last evaluated: 2021-09-07. Review status: criteria provided, single submitter. Criteria: ACMG Guidelines, 2015. Collection method: clinical testing. Allele origin: unknown.

Department of Pathology and Laboratory Medicine, Sinai Health System
Classification: Uncertain significance for Usher syndrome type 2. Last evaluated: 2021-07-30. Review status: criteria provided, single submitter. Criteria: ACMG Guidelines, 2015. Collection method: research. Allele origin: germline.

Eurofins Ntd Llc (ga)
Classification: Uncertain significance. Last evaluated: 2016-07-22. Review status: criteria provided, single submitter. Criteria: EGL Classification Definitions 2015. Collection method: clinical testing. Allele origin: germline. Observed: 1 variant allele, 1 heterozygote.

NM_032119.4(ADGRV1):c.12008T>C (p.Ile4003Thr)

Gene: ADGRV1 (adhesion G protein-coupled receptor V1; plus strand). Cytogenetic location: 5q14.3.
Variant type: single nucleotide variant.
Coding change: c.12008T>C on transcript NM_032119.4 (MANE Select); coding-DNA position 12008, T replaced by C.
Protein change: p.Ile4003Thr; replaces isoleucine 4003 with threonine.
Molecular consequence: missense variant. On other transcripts: non-coding transcript variant (1).
Genome position (GRCh38, 1-based): chr5:90,759,476, T>C. VCF-style: chr5-90759476-T-C. GRCh37 (hg19) VCF-style: chr5-90055293-T-C.
Other names: short protein forms I4003T.
Identifiers: ClinVar variation 289270 (VCV000289270.13), dbSNP rs376911431, ClinGen allele CA3341110.